The following is an entry in ClinVar:

ClinVar aggregate classification (germline): Uncertain significance (1 of 4 stars; one submission).

Conditions:
Ehlers-Danlos syndrome, classic type, 1 (EDSCL1). Also called: EDS I; EHLERS-DANLOS SYNDROME, GRAVIS TYPE; EHLERS-DANLOS SYNDROME, SEVERE CLASSIC TYPE; Ehlers-Danlos syndrome, type 1; Ehlers-Danlos Syndrome, Classic Type, COL5A1-Related. Identifiers: MedGen C0268335, MONDO:0019567, OMIM 130000.

Submission:

Labcorp Genetics (formerly Invitae), Labcorp
Classification: Uncertain significance for Ehlers-Danlos syndrome, classic type, 1. Last evaluated: 2023-05-14. Review status: criteria provided, single submitter. Criteria: Invitae Variant Classification Sherloc (09022015). Collection method: clinical testing. Allele origin: germline.
Comment: This sequence change falls in intron 45 of the COL5A1 gene. It does not directly change the encoded amino acid sequence of the COL5A1 protein. In summary, the available evidence is currently insufficient to determine the role of this variant in disease. Therefore, it has been classified as a Variant of Uncertain Significance. Algorithms developed to predict the effect of sequence changes on RNA splicing suggest that this variant may disrupt the consensus splice site. This variant has not been reported in the literature in individuals affected with COL5A1-related conditions. This variant is not present in population databases (gnomAD no frequency).

NM_000093.5(COL5A1):c.3583-33_3583-15del

Gene: COL5A1 (collagen type V alpha 1 chain; plus strand). Cytogenetic location: 9q34.3.
Variant type: Deletion.
Coding change: c.3583-33_3583-15del on transcript NM_000093.5 (MANE Select); 33 bases into the intron before coding-DNA position 3583 through 15 bases into the intron before coding-DNA position 3583, 19 bases deleted (CATCCTCACCCATGGCCGG).
Molecular consequence: intron variant.
Genome position (GRCh38, 1-based): chr9:134,811,459-134,811,477, CATCCTCACCCATGGCCGG deleted; deleting any 19 consecutive bases within chr9:134,811,458-134,811,477 gives the same sequence; the c. name uses the placement nearest the transcript's 3' end. VCF-style (leftmost placement, unchanged base first): chr9-134811457-AGCATCCTCACCCATGGCCG-A. GRCh37 (hg19) VCF-style: chr9-137703303-AGCATCCTCACCCATGGCCG-A.
Other names: c.3583-33_3583-15del (NM_001278074.1).
Identifiers: ClinVar variation 2892855 (VCV002892855.3), dbSNP rs2490819046, ClinGen allele CA2692444978.